The following is an entry in ClinVar:

ClinVar aggregate classification (germline): Pathogenic (1 of 4 stars; one submission).

Conditions:
Neurofibromatosis, type 1 (NF1). Also called: VON RECKLINGHAUSEN DISEASE; Peripheral type neurofibromatosis; NEUROFIBROMATOSIS, TYPE I, SOMATIC; Neurofibromatosis, type I. Identifiers: Orphanet 636, MedGen C0027831, MONDO:0018975, OMIM 162200. Disease mechanism: loss of function.

Submission:

Department of Genetics, Sultan Qaboos University Hospital
Classification: Pathogenic for Neurofibromatosis, type 1. Last evaluated: 2026-04-01. Review status: criteria provided, single submitter. Criteria: ACMG Guidelines, 2015. Collection method: clinical testing. Allele origin: germline. Affected: yes. Observed: 1 variant allele.
Comment: PVS1,PM2

NM_001042492.3(NF1):c.4656del (p.Lys1552fs)

Gene: NF1 (neurofibromin 1; plus strand). Cytogenetic location: 17q11.2.
Variant type: Deletion.
Coding change: c.4656del on transcript NM_001042492.3 (MANE Select); coding-DNA position 4656, one base deleted (A; older notation c.4656delA).
Protein change: p.Lys1552fs; shifts the reading frame from lysine 1552.
Molecular consequence: frameshift variant.
Genome position (GRCh38, 1-based): chr17:31,261,789, A deleted; the last of 3 consecutive A bases (chr17:31,261,787-31,261,789); deleting any one gives the same sequence. VCF-style (leftmost placement, unchanged base first): chr17-31261786-CA-C. GRCh37 (hg19) VCF-style: chr17-29588804-CA-C.
Other names: c.4593del, p.Lys1531fs (NM_000267.4); short protein forms K1531fs, K1552fs.
Identifiers: ClinVar variation 4823925 (VCV004823925.1).
Genomic context (GRCh38, chr17:31,261,786, plus strand): 5'-TGGAAGACGACCTTTTGATAAGATGGCAACACTTCTTGCATACCTGGGTCCTCCAGAGCA[CA>C]AACCTGTGGCAGATACACACTGGTCCAGCCTTAACCTTACCAGTTCAAAGTTTGAGGAAT-3'